The following is an entry in ClinVar:

NM_001854.4(COL11A1):c.2958T>A (p.His986Gln)

Gene: COL11A1 (collagen type XI alpha 1 chain; minus strand). Cytogenetic location: 1p21.1.
Variant type: single nucleotide variant.
Coding change: c.2958T>A on transcript NM_001854.4 (MANE Select); coding-DNA position 2958, T replaced by A.
Protein change: p.His986Gln; replaces histidine 986 with glutamine.
Molecular consequence: missense variant. On other transcripts: non-coding transcript variant (1).
Genome position (GRCh38, 1-based): chr1:102,962,719, A>T on the plus strand (T>A on the coding strand, the complement: COL11A1 is on the minus strand). VCF-style: chr1-102962719-A-T. GRCh37 (hg19) VCF-style: chr1-103428275-A-T.
Other names: c.2841T>A, p.His947Gln (NM_001190709.2); c.2994T>A, p.His998Gln (NM_080629.3); c.2610T>A, p.His870Gln (NM_080630.4); short protein forms H870Q, H947Q, H986Q, H998Q.
Identifiers: ClinVar variation 3903220 (VCV003903220.1).

ClinVar aggregate classification (germline): Uncertain significance (1 of 4 stars; one submission).

Submission:

GeneDx
Classification: Uncertain significance. Last evaluated: 2024-12-08. Review status: criteria provided, single submitter. Criteria: GeneDx Variant Classification Process June 2021. Collection method: clinical testing. Allele origin: germline. Affected: yes.
Comment: Not observed at significant frequency in large population cohorts (gnomAD); In silico analysis supports that this missense variant has a deleterious effect on protein structure/function; Has not been previously published as pathogenic or benign to our knowledge